The following is an entry in ClinVar:

NM_000709.4(BCKDHA):c.1313_1319del (p.Tyr438fs)

Gene: BCKDHA (branched chain keto acid dehydrogenase E1 subunit alpha; plus strand). Cytogenetic location: 19q13.2.
Variant type: Deletion.
Coding change: c.1313_1319del on transcript NM_000709.4 (MANE Select); coding-DNA positions 1313 to 1319, 7 bases deleted (ACCCACT; older notation c.1313_1319delACCCACT).
Protein change: p.Tyr438fs; shifts the reading frame from tyrosine 438.
Molecular consequence: frameshift variant.
Genome position (GRCh38, 1-based): chr19:41,424,583-41,424,589, ACCCACT deleted; deleting any 7 consecutive bases within chr19:41,424,579-41,424,589 gives the same sequence; the c. name uses the placement nearest the transcript's 3' end. VCF-style (leftmost placement, unchanged base first): chr19-41424578-GCACTACC-G. GRCh37 (hg19) VCF-style: chr19-41930483-GCACTACC-G.
Other names: c.1310_1316del, p.Tyr437fs (NM_001164783.2); short protein forms Y437fs, Y438fs.
Identifiers: ClinVar variation 945811 (VCV000945811.9), dbSNP rs2039407382, ClinGen allele CA1139666462.

ClinVar aggregate classification (germline): Likely pathogenic (1 of 4 stars; one submission).

Conditions:
Maple syrup urine disease (MSUD). Identifiers: Orphanet 511, MedGen C0024776, MeSH D008375, MONDO:0009563. Disease mechanism: loss of function.

Submission:

Labcorp Genetics (formerly Invitae), Labcorp
Classification: Likely pathogenic for Maple syrup urine disease. Last evaluated: 2019-05-22. Review status: criteria provided, single submitter. Criteria: Invitae Variant Classification Sherloc (09022015). Collection method: clinical testing. Allele origin: germline.
Comment: This variant is not present in population databases (ExAC no frequency). In summary, the currently available evidence indicates that the variant is pathogenic, but additional data are needed to prove that conclusively. Therefore, this variant has been classified as Likely Pathogenic. This variant disrupts the p.Tyr438 amino acid residue in BCKDHA. Other variant(s) (p.Tyr438Asn) that disrupt this residue have been determined to be pathogenic (PMID: 11825067, 12888983, 2703538, 28170084). This suggests that this residue is clinically significant, and that variants that disrupt this residue are likely to be disease-causing. This variant has not been reported in the literature in individuals with BCKDHA-related conditions. This sequence change results in a premature translational stop signal in the BCKDHA gene (p.Tyr438Trpfs*45). While this is not anticipated to result in nonsense mediated decay, it is expected to disrupt the last 8 amino acids of the BCKDHA protein.

Literature cited by the submitters: PubMed 11825067; PubMed 12888983; PubMed 2703538; PubMed 28170084.